The following is an entry in ClinVar:

NM_145292.4(GALNTL5):c.228T>C (p.Asp76=)

Gene: GALNTL5 (polypeptide N-acetylgalactosaminyltransferase like 5; plus strand). Cytogenetic location: 7q36.1.
Variant type: single nucleotide variant.
Coding change: c.228T>C on transcript NM_145292.4 (MANE Select); coding-DNA position 228, T replaced by C.
Protein change: p.Asp76=; no amino-acid change (aspartic acid 76 retained).
Molecular consequence: synonymous variant. On other transcripts: non-coding transcript variant (1).
Genome position (GRCh38, 1-based): chr7:151,967,474, T>C. VCF-style: chr7-151967474-T-C. GRCh37 (hg19) VCF-style: chr7-151664559-T-C.
Identifiers: ClinVar variation 3033806 (VCV003033806.2), dbSNP rs374944397, ClinGen allele CA4577282.

ClinVar aggregate classification (germline): Likely benign (0 of 4 stars; one submission).

Conditions:
GALNTL5-related disorder. Also called: GALNTL5-related condition.

Allele frequency attached by ClinVar (database versions not stated): ExAC 0.00007; ESP Exome Variant Server 0.00008; gnomAD exomes 0.00008; gnomAD 0.00009; TOPMed 0.00010.
gnomAD v4.1: 135 of 1,613,600 alleles (0.0084%); highest among the groups gnomAD compares: Middle Eastern, 0.066%; no homozygotes.

Submission:

PreventionGenetics, part of Exact Sciences
Classification: Likely benign for GALNTL5-related condition. Last evaluated: 2019-06-08. Review status: no assertion criteria provided. Collection method: clinical testing. Allele origin: germline.
Comment: This variant is classified as likely benign based on ACMG/AMP sequence variant interpretation guidelines (Richards et al. 2015 PMID: 25741868, with internal and published modifications).